The following is an entry in ClinVar:

NM_000494.4(COL17A1):c.1091C>T (p.Thr364Ile)

Gene: COL17A1 (collagen type XVII alpha 1 chain; minus strand). Cytogenetic location: 10q25.1.
Variant type: single nucleotide variant.
Coding change: c.1091C>T on transcript NM_000494.4 (MANE Select); coding-DNA position 1091, C replaced by T.
Protein change: p.Thr364Ile; replaces threonine 364 with isoleucine.
Molecular consequence: missense variant.
Genome position (GRCh38, 1-based): chr10:104,060,169, G>A on the plus strand (C>T on the coding strand, the complement: COL17A1 is on the minus strand). VCF-style: chr10-104060169-G-A. GRCh37 (hg19) VCF-style: chr10-105819927-G-A.
Other names: short protein forms T364I.
Identifiers: ClinVar variation 3779120 (VCV003779120.2).

ClinVar aggregate classification (germline): Uncertain significance. Review status: criteria provided, multiple submitters, no conflicts (2 of 4 stars). 2 submissions from 2 submitters: Uncertain significance (2). Last evaluated 2025-03-17.

Conditions:
Junctional epidermolysis bullosa, non-Herlitz type. Also called: Adult junctional epidermolysis bullosa; COL17A1-Related Junctional Epidermolysis Bullosa; Epidermolysis bullosa, junctional, non-herlitz type, somatic mosaic revertant; EPIDERMOLYSIS BULLOSA, JUNCTIONAL 1A, INTERMEDIATE; EPIDERMOLYSIS BULLOSA JUNCTIONALIS, DISENTIS TYPE; EPIDERMOLYSIS BULLOSA JUNCTIONALIS, NON-HERLITZ TYPE. Identifiers: Orphanet 251393, Orphanet 79402, Orphanet 79405, Orphanet 89840, MedGen C0268374, MONDO:0009180, OMIM 226650.

gnomAD v4.1: 25 of 1,614,008 alleles (0.0015%); highest among the groups gnomAD compares: Non-Finnish European, 0.0021%; no homozygotes.

Submissions (2):

Labcorp Genetics (formerly Invitae), Labcorp
Classification: Uncertain significance. Last evaluated: 2025-03-17. Review status: criteria provided, single submitter. Criteria: Invitae Variant Classification Sherloc (09022015). Collection method: clinical testing. Allele origin: germline.
Comment: This sequence change replaces threonine, which is neutral and polar, with isoleucine, which is neutral and non-polar, at codon 364 of the COL17A1 protein (p.Thr364Ile). This variant is present in population databases (rs770146556, gnomAD 0.003%). This variant has not been reported in the literature in individuals affected with COL17A1-related conditions. Invitae Evidence Modeling of protein sequence and biophysical properties (such as structural, functional, and spatial information, amino acid conservation, physicochemical variation, residue mobility, and thermodynamic stability) indicates that this missense variant is not expected to disrupt COL17A1 protein function with a negative predictive value of 80%. In summary, the available evidence is currently insufficient to determine the role of this variant in disease. Therefore, it has been classified as a Variant of Uncertain Significance.

Department of Pathology and Laboratory Medicine, Sinai Health System
Classification: Uncertain significance for junctional epidermolysis bullosa, non-Herlitz type. Last evaluated: 2021-07-30. Review status: criteria provided, single submitter. Criteria: ACMG Guidelines, 2015. Collection method: research. Allele origin: germline.